The following is an entry in ClinVar:

ClinVar aggregate classification (germline): Likely pathogenic (1 of 4 stars; one submission).

Allele frequency attached by ClinVar (database versions not stated): TOPMed 0.00001.

Submission:

Labcorp Genetics (formerly Invitae), Labcorp
Classification: Likely pathogenic. Last evaluated: 2023-12-06. Review status: criteria provided, single submitter. Criteria: Invitae Variant Classification Sherloc (09022015). Collection method: clinical testing. Allele origin: germline.
Comment: This sequence change affects a donor splice site in intron 6 of the ZNF341 gene. It is expected to disrupt RNA splicing. Variants that disrupt the donor or acceptor splice site typically lead to a loss of protein function (PMID: 16199547), and loss-of-function variants in ZNF341 are known to be pathogenic (PMID: 29907690, 29907691). This variant is not present in population databases (gnomAD no frequency). This variant has not been reported in the literature in individuals affected with ZNF341-related conditions. ClinVar contains an entry for this variant (Variation ID: 2181175). Algorithms developed to predict the effect of sequence changes on RNA splicing suggest that this variant may disrupt the consensus splice site. In summary, the currently available evidence indicates that the variant is pathogenic, but additional data are needed to prove that conclusively. Therefore, this variant has been classified as Likely Pathogenic.

Literature cited by the submitters: PubMed 16199547; PubMed 29907690; PubMed 29907691.

NM_001282933.2(ZNF341):c.918T>G (p.Gly306=)

Gene: ZNF341 (zinc finger protein 341; plus strand). Cytogenetic location: 20q11.22.
Variant type: single nucleotide variant.
Coding change: c.918T>G on transcript NM_001282933.2 (MANE Select); coding-DNA position 918, T replaced by G.
Protein change: p.Gly306=; no amino-acid change (glycine 306 retained).
Molecular consequence: synonymous variant. On other transcripts: non-coding transcript variant (1), splice donor variant (1).
Genome position (GRCh38, 1-based): chr20:33,757,324, T>G. VCF-style: chr20-33757324-T-G. GRCh37 (hg19) VCF-style: chr20-32345130-T-G.
Other names: c.648T>G, p.Gly216= (NM_001282935.2); c.916+2T>G (NM_032819.5).
Identifiers: ClinVar variation 2181175 (VCV002181175.4), dbSNP rs2019198634, ClinGen allele CA408651968.